The following is an entry in ClinVar:

NM_015072.5(TTLL5):c.3700G>A (p.Glu1234Lys)

Gene: TTLL5 (tubulin tyrosine ligase like 5; plus strand). Cytogenetic location: 14q24.3.
Variant type: single nucleotide variant.
Coding change: c.3700G>A on transcript NM_015072.5 (MANE Select); coding-DNA position 3700, G replaced by A.
Protein change: p.Glu1234Lys; replaces glutamic acid 1234 with lysine.
Molecular consequence: missense variant.
Genome position (GRCh38, 1-based): chr14:75,882,862, G>A. VCF-style: chr14-75882862-G-A. GRCh37 (hg19) VCF-style: chr14-76349205-G-A.
Other names: short protein forms E1234K.
Identifiers: ClinVar variation 955879 (VCV000955879.7), dbSNP rs772723003, ClinGen allele CA7280107.

ClinVar aggregate classification (germline): Conflicting classifications of pathogenicity. Review status: criteria provided, conflicting classifications (1 of 4 stars). 2 submissions from 2 submitters: Uncertain significance (1); Likely benign (1). Last evaluated 2025-03-17.

Conditions:
Inborn genetic diseases. Identifiers: MedGen C0950123, MeSH D030342.

Allele frequency attached by ClinVar (database versions not stated): TOPMed 0.00002; gnomAD 0.00003 and 0.00004; gnomAD exomes 0.00006; ExAC 0.00009.
gnomAD v4.1: 48 of 1,613,930 alleles (0.003%); highest among the groups gnomAD compares: Non-Finnish European, 0.0036%; no homozygotes.

Submissions (2):

Labcorp Genetics (formerly Invitae), Labcorp
Classification: Uncertain significance. Last evaluated: 2025-03-17. Review status: criteria provided, single submitter. Criteria: Invitae Variant Classification Sherloc (09022015). Collection method: clinical testing. Allele origin: germline.
Comment: This sequence change replaces glutamic acid, which is acidic and polar, with lysine, which is basic and polar, at codon 1234 of the TTLL5 protein (p.Glu1234Lys). This variant is present in population databases (rs772723003, gnomAD 0.01%). This variant has not been reported in the literature in individuals affected with TTLL5-related conditions. ClinVar contains an entry for this variant (Variation ID: 955879). Invitae Evidence Modeling of protein sequence and biophysical properties (such as structural, functional, and spatial information, amino acid conservation, physicochemical variation, residue mobility, and thermodynamic stability) indicates that this missense variant is not expected to disrupt TTLL5 protein function with a negative predictive value of 80%. In summary, the available evidence is currently insufficient to determine the role of this variant in disease. Therefore, it has been classified as a Variant of Uncertain Significance.

Ambry Genetics
Classification: Likely benign for Inborn genetic diseases. Last evaluated: 2024-03-19. Review status: criteria provided, single submitter. Criteria: Ambry Variant Classification Scheme 2023. Collection method: clinical testing. Allele origin: germline.